The following is an entry in ClinVar:

NM_001367534.1(CAMK2G):c.1381A>T (p.Ile461Phe)

Gene: CAMK2G (calcium/calmodulin dependent protein kinase II gamma; minus strand). Cytogenetic location: 10q22.2.
Variant type: single nucleotide variant.
Coding change: c.1381A>T on transcript NM_001367534.1 (MANE Select); coding-DNA position 1381, A replaced by T.
Protein change: p.Ile461Phe; replaces isoleucine 461 with phenylalanine.
Molecular consequence: missense variant. On other transcripts: synonymous variant (2), non-coding transcript variant (8).
Genome position (GRCh38, 1-based): chr10:73,817,537, T>A on the plus strand (A>T on the coding strand, the complement: CAMK2G is on the minus strand). VCF-style: chr10-73817537-T-A. GRCh37 (hg19) VCF-style: chr10-75577295-T-A.
Other names: c.1222A>T, p.Ile408Phe (NM_001367536.1); c.904A>T, p.Ile302Phe (NM_001367537.1); c.790A>T, p.Ile264Phe (NM_001367538.1); c.1039A>T, p.Ile347Phe (NM_001367539.1); c.436A>T, p.Ile146Phe (NM_001367540.1); c.1102A>T, p.Ile368Phe (NM_001367541.1, NM_001222.4); c.595A>T, p.Ile199Phe (NM_001367542.1); c.1267A>T, p.Ile423Phe (NM_001367543.1); and 19 more; short protein forms I146F, I199F, I264F, I302F, I347F, I356F, I368F, I377F.
Identifiers: ClinVar variation 2640593 (VCV002640593.24), dbSNP rs2547853486, ClinGen allele CA377297938.

ClinVar aggregate classification (germline): Uncertain significance (1 of 4 stars; one submission).

Submission:

CeGaT Center for Human Genetics Tuebingen
Classification: Uncertain significance. Last evaluated: 2023-10-01. Review status: criteria provided, single submitter. Criteria: CeGaT Center For Human Genetics Tuebingen Variant Classification Criteria Version 2. Collection method: clinical testing. Allele origin: germline. Affected: yes. Observed: 1 variant allele.
Comment: CAMK2G: PM2